The following is an entry in ClinVar:

ClinVar aggregate classification (germline): Uncertain significance. Review status: criteria provided, multiple submitters, no conflicts (2 of 4 stars). 5 submissions from 5 submitters: Uncertain significance (5). Last evaluated 2025-01-27.

Conditions:
Inborn genetic diseases. Identifiers: MedGen C0950123, MeSH D030342.
Developmental and epileptic encephalopathy, 18 (DEE18). Also called: Early infantile epileptic encephalopathy 18. Identifiers: Orphanet 369894, MedGen C3809624, MONDO:0014201, OMIM 615476.

Allele frequency attached by ClinVar (database versions not stated): ExAC 0.00001; gnomAD 0.00002; gnomAD exomes 0.00002; TOPMed 0.00002.
gnomAD v4.1: 33 of 1,592,862 alleles (0.0021%); highest among the groups gnomAD compares: East Asian, 0.0089%; no homozygotes.

Submissions (5):

Labcorp Genetics (formerly Invitae), Labcorp
Classification: Uncertain significance. Last evaluated: 2025-01-27. Review status: criteria provided, single submitter. Criteria: Invitae Variant Classification Sherloc (09022015). Collection method: clinical testing. Allele origin: germline.
Comment: This sequence change replaces arginine, which is basic and polar, with histidine, which is basic and polar, at codon 665 of the SZT2 protein (p.Arg665His). This variant is present in population databases (rs754481570, gnomAD 0.005%). This variant has not been reported in the literature in individuals affected with SZT2-related conditions. ClinVar contains an entry for this variant (Variation ID: 1013836). Invitae Evidence Modeling of protein sequence and biophysical properties (such as structural, functional, and spatial information, amino acid conservation, physicochemical variation, residue mobility, and thermodynamic stability) indicates that this missense variant is not expected to disrupt SZT2 protein function with a negative predictive value of 80%. In summary, the available evidence is currently insufficient to determine the role of this variant in disease. Therefore, it has been classified as a Variant of Uncertain Significance.

Ambry Genetics
Classification: Uncertain significance for Inborn genetic diseases. Last evaluated: 2024-07-14. Review status: criteria provided, single submitter. Criteria: Ambry Variant Classification Scheme 2023. Collection method: clinical testing. Allele origin: germline.

GeneDx
Classification: Uncertain significance. Last evaluated: 2024-03-27. Review status: criteria provided, single submitter. Criteria: GeneDx Variant Classification Process June 2021. Collection method: clinical testing. Allele origin: germline. Affected: yes.
Comment: Not observed at significant frequency in large population cohorts (gnomAD); In silico analysis supports that this missense variant does not alter protein structure/function; Has not been previously published as pathogenic or benign to our knowledge

Genome-Nilou Lab
Classification: Uncertain significance for Developmental and epileptic encephalopathy, 18. Last evaluated: 2023-04-11. Review status: criteria provided, single submitter. Criteria: ACMG Guidelines, 2015. Collection method: clinical testing. Allele origin: germline. Affected: no.

Baylor Genetics
Classification: Uncertain significance for Developmental and epileptic encephalopathy, 18. Last evaluated: 2019-11-20. Review status: criteria provided, single submitter. Criteria: ACMG Guidelines, 2015. Collection method: clinical testing. Allele origin: unknown. Affected: yes.
Comment: This variant was determined to be of uncertain significance according to ACMG Guidelines, 2015 [PMID:25741868].

NM_001365999.1(SZT2):c.1994G>A (p.Arg665His)

Gene: SZT2 (SZT2 subunit of KICSTOR complex; plus strand). Cytogenetic location: 1p34.2.
Variant type: single nucleotide variant.
Coding change: c.1994G>A on transcript NM_001365999.1 (MANE Select); coding-DNA position 1994, G replaced by A.
Protein change: p.Arg665His; replaces arginine 665 with histidine.
Molecular consequence: missense variant.
Genome position (GRCh38, 1-based): chr1:43,422,840, G>A. VCF-style: chr1-43422840-G-A. GRCh37 (hg19) VCF-style: chr1-43888511-G-A.
Other names: c.1994G>A, p.Arg665His (NM_015284.4); short protein forms R665H.
Identifiers: ClinVar variation 1013836 (VCV001013836.11), dbSNP rs754481570, ClinGen allele CA808580.